The following is an entry in ClinVar:

ClinVar aggregate classification (germline): Benign (1 of 4 stars; one submission).

gnomAD v4.1: 2,202 of 1,602,422 alleles (0.14%); highest among the groups gnomAD compares: African/African-American, 2.7%; 25 homozygotes.

Submissions (3):

CeGaT Center for Human Genetics Tuebingen
Classification: Benign. Last evaluated: 2025-03-01. Review status: criteria provided, single submitter. Criteria: CeGaT Center For Human Genetics Tuebingen Variant Classification Criteria Version 2. Collection method: clinical testing. Allele origin: germline. Affected: yes. Observed: 1 variant allele.
Comment: DAOA: BS1, BS2

Dr. Peter K. Rogan Lab, Western University
No classification provided (evidence only). Condition: Acute myeloid leukemia. Review status: no classification provided. Collection method: in vitro. Allele origin: not applicable. Functional consequence: retained intron. Not counted in ClinVar's aggregate classification.

Dr. Peter K. Rogan Lab, Western University
No classification provided (evidence only). Condition: Gastric cancer. Review status: no classification provided. Collection method: in vitro. Allele origin: not applicable. Functional consequence: retained intron. Not counted in ClinVar's aggregate classification.

NM_172370.5(DAOA):c.133+2T>A

Genes: DAOA (D-amino acid oxidase activator; plus strand), DAOA-AS1 (DAOA antisense RNA 1; minus strand). Cytogenetic location: 13q33.2.
Variant type: single nucleotide variant.
Coding change: c.133+2T>A on transcript NM_172370.5 (MANE Select); the canonical splice donor site of the intron after coding-DNA position 133, T replaced by A.
Molecular consequence: splice donor variant.
Genome position (GRCh38, 1-based): chr13:105,467,143, T>A. VCF-style: chr13-105467143-T-A. GRCh37 (hg19) VCF-style: chr13-106119492-T-A.
Other names: NC_000013.10:g.106119492T>A; c.-81+2T>A (NM_001161814.1, NM_001384646.1); c.133+2T>A (NM_001384644.1); c.-169+2T>A (NM_001384645.1); c.-61+2T>A (NM_001161812.1).
Identifiers: ClinVar variation 3777967 (VCV003777967.8).
Genomic context (GRCh38, chr13:105,467,143, plus strand): 5'-CATAGGTTTTCAAAGGAGCATTCTTCTGAGCAAATCTGAAAACTCTCTAAACTCTATTGG[T>A]ATGTTACTCTTTATCTTTATATGAATTTAAATTCTTCTAGAAGTTAGATAAAACTGTGGT-3'